The following is an entry in ClinVar:

ClinVar aggregate classification (germline): Likely benign. Review status: criteria provided, single submitter (1 of 4 stars). 2 submissions from 2 submitters: Likely benign (1). 1 of the submissions does not count toward it. Last evaluated 2019-01-09.

Conditions:
EP300-related disorder. Also called: EP300-related disorders; EP300-related condition.

Allele frequency attached by ClinVar (database versions not stated): gnomAD exomes below 0.00001; TOPMed below 0.00001.
gnomAD v4.1: 2 of 1,614,176 alleles (0.00012%); highest among the groups gnomAD compares: Admixed American, 0.0017%; no homozygotes.

Submissions (2):

Labcorp Genetics (formerly Invitae), Labcorp
Classification: Likely benign. Last evaluated: 2019-01-09. Review status: criteria provided, single submitter. Criteria: Invitae Variant Classification Sherloc (09022015). Collection method: clinical testing. Allele origin: germline.

PreventionGenetics, part of Exact Sciences
Classification: Likely benign for EP300-related condition. Last evaluated: 2024-03-01. Review status: no assertion criteria provided. Collection method: clinical testing. Allele origin: germline. Not counted in ClinVar's aggregate classification.
Comment: This variant is classified as likely benign based on ACMG/AMP sequence variant interpretation guidelines (Richards et al. 2015 PMID: 25741868, with internal and published modifications).

NM_001429.4(EP300):c.3933G>A (p.Arg1311=)

Gene: EP300 (E1A binding protein p300; plus strand). Cytogenetic location: 22q13.2.
Variant type: single nucleotide variant.
Coding change: c.3933G>A on transcript NM_001429.4 (MANE Select); coding-DNA position 3933, G replaced by A.
Protein change: p.Arg1311=; no amino-acid change (arginine 1311 retained).
Molecular consequence: synonymous variant.
Genome position (GRCh38, 1-based): chr22:41,168,507, G>A. VCF-style: chr22-41168507-G-A. GRCh37 (hg19) VCF-style: chr22-41564511-G-A.
Other names: c.3855G>A, p.Arg1285= (NM_001362843.2).
Identifiers: ClinVar variation 766259 (VCV000766259.4), dbSNP rs1347207948, ClinGen allele CA514793422.